The following is an entry in ClinVar:

NC_000009.12:g.35658015A>C

Gene: RMRP (RNA component of mitochondrial RNA processing endoribonuclease; minus strand). Cytogenetic location: 9p13.3.
Variant type: single nucleotide variant.
Genome position: GRCh38 VCF-style: chr9-35658015-A-C. GRCh37 (hg19) VCF-style: chr9-35658012-A-C.
Identifiers: ClinVar variation 1436995 (VCV001436995.3), dbSNP rs1023574374, ClinGen allele CA192745733.

ClinVar aggregate classification (germline): Uncertain significance (1 of 4 stars; one submission).

Conditions:
Anauxetic dysplasia. Identifiers: Orphanet 93347, MedGen C1846796, MONDO:0011773.

gnomAD v4.1: 3 of 690,820 alleles (0.00043%); highest among the groups gnomAD compares: African/African-American, 0.0053%; no homozygotes.

Submission:

Labcorp Genetics (formerly Invitae), Labcorp
Classification: Uncertain significance for Anauxetic dysplasia. Last evaluated: 2022-02-28. Review status: criteria provided, single submitter. Criteria: Invitae Variant Classification Sherloc (09022015). Collection method: clinical testing. Allele origin: germline.
Comment: This variant occurs in the RMRP gene, which encodes an RNA molecule that does not result in a protein product. This variant is not present in population databases (gnomAD no frequency). This variant has not been reported in the literature in individuals affected with RMRP-related conditions. Experimental studies and prediction algorithms are not available or were not evaluated, and the functional significance of this variant is currently unknown. Algorithms developed to predict the effect of sequence changes on RNA splicing suggest that this variant may create or strengthen a splice site. In summary, the available evidence is currently insufficient to determine the role of this variant in disease. Therefore, it has been classified as a Variant of Uncertain Significance.